The following is an entry in ClinVar:

ClinVar aggregate classification (germline): Uncertain significance. Review status: criteria provided, multiple submitters, no conflicts (2 of 4 stars). 2 submissions from 2 submitters: Uncertain significance (2). Last evaluated 2026-01-13.

Submissions (2):

Labcorp Genetics (formerly Invitae), Labcorp
Classification: Uncertain significance. Last evaluated: 2026-01-13. Review status: criteria provided, single submitter. Criteria: Invitae Variant Classification Sherloc (09022015). Collection method: clinical testing. Allele origin: germline.
Comment: This variant, c.3869_3889del, results in the deletion of 7 amino acid(s) of the BRD4 protein (p.Arg1290_Gln1296del), but otherwise preserves the integrity of the reading frame. This variant is not present in population databases (gnomAD no frequency). This variant has not been reported in the literature in individuals affected with BRD4-related conditions. ClinVar contains an entry for this variant (Variation ID: 3906275). Experimental studies and prediction algorithms are not available or were not evaluated, and the functional significance of this variant is currently unknown. In summary, the available evidence is currently insufficient to determine the role of this variant in disease. Therefore, it has been classified as a Variant of Uncertain Significance.

GeneDx
Classification: Uncertain significance. Last evaluated: 2024-12-18. Review status: criteria provided, single submitter. Criteria: GeneDx Variant Classification Process June 2021. Collection method: clinical testing. Allele origin: germline. Affected: yes.
Comment: In silico analysis supports a deleterious effect on protein structure/function; In-frame deletion of 7 of amino acids in a repetitive region with no known function; Has not been previously published as pathogenic or benign to our knowledge

NM_001379291.1(BRD4):c.3869_3889del (p.Arg1290_Gln1296del)

Gene: BRD4 (bromodomain containing 4; minus strand). Cytogenetic location: 19p13.12.
Variant type: Deletion.
Coding change: c.3869_3889del on transcript NM_001379291.1 (MANE Select); coding-DNA positions 3869 to 3889, 21 bases deleted (GCCAGGAGCAACAGCAGCAGC).
Protein change: p.Arg1290_Gln1296del.
Genome position (GRCh38, 1-based): chr19:15,238,874-15,238,894, GCTGCTGCTGTTGCTCCTGGC deleted on the plus strand (GCCAGGAGCAACAGCAGCAGC on the coding strand, the reverse complement: BRD4 is on the minus strand); deleting any 21 consecutive bases within chr19:15,238,874-15,238,904 gives the same sequence; the c. name uses the placement nearest the transcript's 3' end. VCF-style (leftmost placement, unchanged base first): chr19-15238873-TGCTGCTGCTGTTGCTCCTGGC-T. GRCh37 (hg19) VCF-style: chr19-15349684-TGCTGCTGCTGTTGCTCCTGGC-T.
Other names: c.3869_3889del, p.Arg1290_Gln1296del (NM_058243.3).
Identifiers: ClinVar variation 3906275 (VCV003906275.2).